The following is an entry in ClinVar:

NM_000135.4(FANCA):c.190-2A>T

Gene: FANCA (FA complementation group A; minus strand). Cytogenetic location: 16q24.3.
Variant type: single nucleotide variant.
Coding change: c.190-2A>T on transcript NM_000135.4 (MANE Select); the canonical splice acceptor site of the intron before coding-DNA position 190, A replaced by T.
Molecular consequence: splice acceptor variant.
Genome position (GRCh38, 1-based): chr16:89,814,615, T>A on the plus strand (A>T on the coding strand, the complement: FANCA is on the minus strand). VCF-style: chr16-89814615-T-A. GRCh37 (hg19) VCF-style: chr16-89881023-T-A.
Other names: c.190-2A>T (NM_001351830.2, NM_001018112.3, NM_001286167.3 and 1 more transcripts).
Identifiers: ClinVar variation 555166 (VCV000555166.16), dbSNP rs183350210, ClinGen allele CA8253122.

ClinVar aggregate classification (germline): Pathogenic. Review status: criteria provided, multiple submitters, no conflicts (2 of 4 stars). 6 submissions from 6 submitters: Pathogenic (4). 2 of the submissions do not count toward it. Last evaluated 2025-10-10.

Conditions:
Fanconi anemia complementation group A (FANCA). Also called: Fanconi anemia, group A; FANCA-Related Fanconi Anemia. Identifiers: Orphanet 84, MedGen C3469521, MONDO:0009215, OMIM 227650.
Fanconi anemia (FA). Also called: Fanconi's anemia. Identifiers: Orphanet 84, MedGen C0015625, MeSH D005199, MONDO:0019391.

Allele frequency attached by ClinVar (database versions not stated): gnomAD 0.00003 and 0.00002; 1000 Genomes Project 30x 0.00016; gnomAD exomes 0.00002 and below 0.00001; 1000 Genomes Project 0.00020; ExAC 0.00002; TOPMed 0.00004.
gnomAD v4.1: 6 of 1,610,222 alleles (0.00037%); highest among the groups gnomAD compares: African/African-American, 0.008%; no homozygotes.

Submissions (6):

Dasa
Classification: Pathogenic. Last evaluated: 2025-10-10. Review status: criteria provided, single submitter. Criteria: DASA Assertion Criteria. Collection method: clinical testing. Allele origin: germline.
Comment: NM_000135.4(FANCA):c.190-2A>T introduces a premature termination codon predicted to result in loss of normal protein function. Loss-of-function is an established mechanism of disease for this gene. This variant results in the same amino acid change as a previously established pathogenic variant. This variant has been observed in affected individuals with related phenotype in a genotype context consistent with recessive disease (PMID: 28717661). This variant has been reported in individuals with related phenotype (PMID: 28717661). The variant is present at low frequency in population datasets. Based on the available data, this variant is classified as pathogenic.

Natera, Inc.
Classification: Pathogenic for Fanconi anemia. Last evaluated: 2025-09-22. Review status: criteria provided, single submitter. Criteria: Natera Variant Classification Schema (03/2026). Collection method: clinical testing. Allele origin: germline.
Comment: The c.190-2A>T variant in FANCA is a canonical splice acceptor site variant predicted to affect pre-mRNA splicing, which may result in an abnormal transcript and altered protein product. This variant is expected to result in nonsense mediated decay, truncation, or a dysfunctional protein product. This variant is rare in the general population with a frequency below the threshold expected for the associated phenotype(s). This variant has been observed in one or more individuals affected with the associated recessive disease, as either homozygous or compound heterozygous with a second variant (PMID: 29098742). Given the available evidence, this variant is classified as Pathogenic.

Labcorp Genetics (formerly Invitae), Labcorp
Classification: Pathogenic for Fanconi anemia. Last evaluated: 2025-04-22. Review status: criteria provided, single submitter. Criteria: Invitae Variant Classification Sherloc (09022015). Collection method: clinical testing. Allele origin: germline.
Comment: This sequence change affects an acceptor splice site in intron 2 of the FANCA gene. It is expected to disrupt RNA splicing. Variants that disrupt the donor or acceptor splice site typically lead to a loss of protein function (PMID: 16199547), and loss-of-function variants in FANCA are known to be pathogenic (PMID: 19367192). The frequency data for this variant in the population databases is considered unreliable, as metrics indicate poor data quality at this position in the gnomAD database. Disruption of this splice site has been observed in individual(s) with clinical features of Fanconi anemia (PMID: 12955722, 28717661, 29098742, 33088445). In at least one individual the data is consistent with being in trans (on the opposite chromosome) from a pathogenic variant. ClinVar contains an entry for this variant (Variation ID: 555166). Algorithms developed to predict the effect of sequence changes on RNA splicing suggest that this variant may disrupt the consensus splice site. For these reasons, this variant has been classified as Pathogenic.

Baylor Genetics
Classification: Pathogenic for Fanconi anemia complementation group A. Last evaluated: 2024-03-24. Review status: criteria provided, single submitter. Criteria: ACMG Guidelines, 2015. Collection method: clinical testing. Allele origin: unknown.

Leiden Open Variation Database
Classification: Uncertain significance. Last evaluated: 2020-02-28. Review status: no assertion criteria provided. Collection method: curation. Allele origin: germline. Affected: yes. Not counted in ClinVar's aggregate classification.
Comment: Curator: Arleen D. Auerbach. Submitter to LOVD: Daniela Pilonetto.

Counsyl
Classification: Likely pathogenic for Fanconi anemia complementation group A. Last evaluated: 2017-11-21. Review status: no assertion criteria provided. Collection method: clinical testing. Allele origin: unknown. Not counted in ClinVar's aggregate classification.

Literature cited by the submitters: PubMed 28717661 (cited by 3 submitters); PubMed 29098742 (cited by Natera, Inc. and Labcorp Genetics (formerly Invitae), Labcorp); PubMed 16199547 (cited by Labcorp Genetics (formerly Invitae), Labcorp); PubMed 19367192 (cited by Labcorp Genetics (formerly Invitae), Labcorp); PubMed 12955722 (cited by Labcorp Genetics (formerly Invitae), Labcorp); PubMed 33088445 (cited by Labcorp Genetics (formerly Invitae), Labcorp).